The following is an entry in ClinVar:

NM_020693.4(DSCAML1):c.1432C>T (p.Arg478Cys)

Gene: DSCAML1 (DS cell adhesion molecule like 1; minus strand). Cytogenetic location: 11q23.3.
Variant type: single nucleotide variant.
Coding change: c.1432C>T on transcript NM_020693.4 (MANE Select); coding-DNA position 1432, C replaced by T.
Protein change: p.Arg478Cys; replaces arginine 478 with cysteine.
Molecular consequence: missense variant.
Genome position (GRCh38, 1-based): chr11:117,518,544, G>A on the plus strand (C>T on the coding strand, the complement: DSCAML1 is on the minus strand). VCF-style: chr11-117518544-G-A. GRCh37 (hg19) VCF-style: chr11-117389259-G-A.
Other names: c.1432C>T, p.Arg478Cys (NM_001367904.1); c.1024C>T, p.Arg342Cys (NM_001367905.1); short protein forms R478C, R342C.
Identifiers: ClinVar variation 2896801 (VCV002896801.3), dbSNP rs1454284644, ClinGen allele CA382745490.
Genomic context (GRCh38, chr11:117,518,544, plus strand): 5'-CCTGATATTCAGCACTGCCCACCAAGTTCCGCGCTGTGCACCGGTACACGCCCCCGTCGC[G>A]GATCTGGGGGCCTGTGACGTTCATGTGGCTGATGGTGGTGCCGTCCGACATGGTGTACTG-3'
Protein context (NP_065744.3, residues 468-488): SHMNVTGPQI[Arg478Cys]DGGVYRCTAR

ClinVar aggregate classification (germline): Uncertain significance (1 of 4 stars; one submission).

Allele frequency attached by ClinVar (database versions not stated): gnomAD exomes 0.00001; TOPMed 0.00001; gnomAD 0.00002.
gnomAD v4.1: 19 of 1,614,074 alleles (0.0012%); highest among the groups gnomAD compares: South Asian, 0.0055%; no homozygotes.

Submission:

Labcorp Genetics (formerly Invitae), Labcorp
Classification: Uncertain significance. Last evaluated: 2023-07-08. Review status: criteria provided, single submitter. Criteria: Invitae Variant Classification Sherloc (09022015). Collection method: clinical testing. Allele origin: germline.
Comment: In summary, the available evidence is currently insufficient to determine the role of this variant in disease. Therefore, it has been classified as a Variant of Uncertain Significance. An algorithm developed to predict the effect of missense changes on protein structure and function (PolyPhen-2) suggests that this variant is likely to be disruptive. This missense change has been observed in individual(s) with autism spectrum disorder (PMID: 33501714). This variant is present in population databases (no rsID available, gnomAD 0.003%). This sequence change replaces arginine, which is basic and polar, with cysteine, which is neutral and slightly polar, at codon 538 of the DSCAML1 protein (p.Arg538Cys).

Literature cited by the submitters: PubMed 33501714.